The following is an entry in ClinVar:

NM_006929.5(SKIC2):c.2327G>A (p.Arg776His)

Gene: SKIC2 (SKI2 subunit of superkiller complex; plus strand). Cytogenetic location: 6p21.33.
Variant type: single nucleotide variant.
Coding change: c.2327G>A on transcript NM_006929.5 (MANE Select); coding-DNA position 2327, G replaced by A.
Protein change: p.Arg776His; replaces arginine 776 with histidine.
Molecular consequence: missense variant.
Genome position (GRCh38, 1-based): chr6:31,966,833, G>A. VCF-style: chr6-31966833-G-A. GRCh37 (hg19) VCF-style: chr6-31934610-G-A.
Other names: short protein forms R776H.
Identifiers: ClinVar variation 4872665 (VCV004872665.2).
Genomic context (GRCh38, chr6:31,966,833, plus strand): 5'-GAGTGGATGCCCTCAGGGTGGAGGACATGATGAAGAGGAGCTTCTCTGAGTTTCCCTCCC[G>A]CAAAGACAGCAAGGTAAGGAGCCTGGGGTAACCAGTGTGTGGAGCAGGAGGTTGGCCAAA-3'
Protein context (NP_008860.4, residues 766-786): MKRSFSEFPS[Arg776His]KDSKAHEQAL

ClinVar aggregate classification (germline): Uncertain significance (1 of 4 stars; one submission).

gnomAD v4.1: 32 of 1,614,046 alleles (0.002%); highest among the groups gnomAD compares: Middle Eastern, 0.016%; no homozygotes.

Submission:

CeGaT Center for Human Genetics Tuebingen
Classification: Uncertain significance. Last evaluated: 2026-04-01. Review status: criteria provided, single submitter. Criteria: CeGaT Center For Human Genetics Tuebingen Variant Classification Criteria Version 2. Collection method: clinical testing. Allele origin: germline. Affected: yes. Observed: 1 variant allele.
Comment: SKIC2: PM2, BP4